The following is an entry in ClinVar:

NM_138694.4(PKHD1):c.5511C>T (p.Leu1837=)

Gene: PKHD1 (PKHD1 ciliary IPT domain containing fibrocystin/polyductin; minus strand). Cytogenetic location: 6p12.2.
Variant type: single nucleotide variant.
Coding change: c.5511C>T on transcript NM_138694.4 (MANE Select); coding-DNA position 5511, C replaced by T.
Protein change: p.Leu1837=; no amino-acid change (leucine 1837 retained).
Molecular consequence: synonymous variant.
Genome position (GRCh38, 1-based): chr6:52,017,499, G>A on the plus strand (C>T on the coding strand, the complement: PKHD1 is on the minus strand). VCF-style: chr6-52017499-G-A. GRCh37 (hg19) VCF-style: chr6-51882297-G-A.
Other names: c.5511C>T, p.Leu1837= (NM_170724.3).
Identifiers: ClinVar variation 797342 (VCV000797342.16), dbSNP rs1241103975, ClinGen allele CA450417514.

ClinVar aggregate classification (germline): Likely benign. Review status: criteria provided, multiple submitters, no conflicts (2 of 4 stars). 4 submissions from 4 submitters: Likely benign (3). 1 of the submissions does not count toward it. Last evaluated 2024-12-20.

Conditions:
PKHD1-related disorder. Also called: PKHD1-related condition.
Polycystic kidney disease 4 (PKD4). Also called: PKD3; POLYCYSTIC KIDNEY DISEASE 4 WITH OR WITHOUT POLYCYSTIC LIVER DISEASE; POLYCYSTIC KIDNEY AND HEPATIC DISEASE 1; POLYCYSTIC KIDNEY DISEASE, INFANTILE, TYPE I; Autosomal Recessive Polycystic Kidney Disease – PKHD1. Identifiers: MedGen C4540575, MONDO:0033004, OMIM 263200.
Autosomal recessive polycystic kidney disease (ARPKD). Also called: AR polycystic kidney disease. Identifiers: Orphanet 731, Orphanet 8378, MedGen C0085548, MeSH D017044, MONDO:0009889.

Allele frequency attached by ClinVar (database versions not stated): gnomAD exomes 0.00001.
gnomAD v4.1: 3 of 1,614,018 alleles (0.00019%); highest among the groups gnomAD compares: South Asian, 0.0033%; no homozygotes.

Submissions (4):

PreventionGenetics, part of Exact Sciences
Classification: Likely benign for PKHD1-related condition. Last evaluated: 2024-12-20. Review status: criteria provided, single submitter. Criteria: ACMG Guidelines, 2015. Collection method: clinical testing. Allele origin: germline.
Comment: This variant is classified as likely benign based on ACMG/AMP sequence variant interpretation guidelines (Richards et al. 2015 PMID: 25741868, with internal and published modifications).

Labcorp Genetics (formerly Invitae), Labcorp
Classification: Likely benign for Autosomal recessive polycystic kidney disease. Last evaluated: 2022-11-07. Review status: criteria provided, single submitter. Criteria: Invitae Variant Classification Sherloc (09022015). Collection method: clinical testing. Allele origin: germline.

Fulgent Genetics
Classification: Likely benign for Polycystic kidney disease 4. Last evaluated: 2022-02-24. Review status: criteria provided, single submitter. Criteria: ACMG Guidelines, 2015. Collection method: clinical testing. Allele origin: unknown.

Natera, Inc.
Classification: Likely benign for Autosomal recessive polycystic kidney disease. Last evaluated: 2020-02-25. Review status: no assertion criteria provided. Collection method: clinical testing. Allele origin: germline. Not counted in ClinVar's aggregate classification.